The following is an entry in ClinVar:

ClinVar aggregate classification (germline): Uncertain significance (1 of 4 stars; one submission).

Conditions:
Neuropathy, hereditary sensory and autonomic, type 1C. Also called: HSAN IC; HSN IC. Identifiers: Orphanet 36386, MedGen C3150896, MONDO:0013337, OMIM 613640.

Submission:

Labcorp Genetics (formerly Invitae), Labcorp
Classification: Uncertain significance for Neuropathy, hereditary sensory and autonomic, type 1C. Last evaluated: 2023-11-20. Review status: criteria provided, single submitter. Criteria: Invitae Variant Classification Sherloc (09022015). Collection method: clinical testing. Allele origin: germline.
Comment: This sequence change affects codon 210 of the SPTLC2 mRNA. It is a 'silent' change, meaning that it does not change the encoded amino acid sequence of the SPTLC2 protein. It affects a nucleotide within the consensus splice site. This variant is not present in population databases (gnomAD no frequency). This variant has not been reported in the literature in individuals affected with SPTLC2-related conditions. Algorithms developed to predict the effect of sequence changes on RNA splicing suggest that this variant is not likely to affect RNA splicing. In summary, the available evidence is currently insufficient to determine the role of this variant in disease. Therefore, it has been classified as a Variant of Uncertain Significance.

NM_004863.4(SPTLC2):c.630T>C (p.Ile210=)

Gene: SPTLC2 (serine palmitoyltransferase long chain base subunit 2; minus strand). Cytogenetic location: 14q24.3.
Variant type: single nucleotide variant.
Coding change: c.630T>C on transcript NM_004863.4 (MANE Select); coding-DNA position 630, T replaced by C.
Protein change: p.Ile210=; no amino-acid change (isoleucine 210 retained).
Molecular consequence: synonymous variant.
Genome position (GRCh38, 1-based): chr14:77,576,768, A>G on the plus strand (T>C on the coding strand, the complement: SPTLC2 is on the minus strand). VCF-style: chr14-77576768-A-G. GRCh37 (hg19) VCF-style: chr14-78043111-A-G.
Identifiers: ClinVar variation 2983098 (VCV002983098.3), dbSNP rs2140038962, ClinGen allele CA487329224.